The following is an entry in ClinVar:

ClinVar aggregate classification (germline): Uncertain significance (1 of 4 stars; one submission).

Conditions:
Familial hypocalciuric hypercalcemia (FHH). Also called: Familial benign hypercalcemia. Identifiers: Orphanet 405, MedGen C1809471, MONDO:0018458.
Autosomal dominant hypocalcemia 1 (HYPOC1). Also called: HYPOCALCEMIA, FAMILIAL. Identifiers: MedGen C3715128, MONDO:0011013, OMIM 601198.

Allele frequency attached by ClinVar (database versions not stated): gnomAD exomes 0.00001.
gnomAD v4.1: 4 of 1,614,210 alleles (0.00025%); highest among the groups gnomAD compares: South Asian, 0.0011%; no homozygotes.

Submission:

Labcorp Genetics (formerly Invitae), Labcorp
Classification: Uncertain significance for Familial hypocalciuric hypercalcemia; Autosomal dominant hypocalcemia 1. Last evaluated: 2026-01-13. Review status: criteria provided, single submitter. Criteria: Invitae Variant Classification Sherloc (09022015). Collection method: clinical testing. Allele origin: germline.
Comment: This sequence change replaces isoleucine, which is neutral and non-polar, with threonine, which is neutral and polar, at codon 409 of the CASR protein (p.Ile409Thr). This variant is present in population databases (no rsID available, gnomAD 0.0009%). This variant has not been reported in the literature in individuals affected with CASR-related conditions. ClinVar contains an entry for this variant (Variation ID: 1951124). An algorithm developed to predict the effect of missense changes on protein structure and function (PolyPhen-2) suggests that this variant is likely to be tolerated. In summary, the available evidence is currently insufficient to determine the role of this variant in disease. Therefore, it has been classified as a Variant of Uncertain Significance.

NM_000388.4(CASR):c.1226T>C (p.Ile409Thr)

Gene: CASR (calcium sensing receptor; plus strand). Cytogenetic location: 3q21.1.
Variant type: single nucleotide variant.
Coding change: c.1226T>C on transcript NM_000388.4 (MANE Select); coding-DNA position 1226, T replaced by C.
Protein change: p.Ile409Thr; replaces isoleucine 409 with threonine.
Molecular consequence: missense variant.
Genome position (GRCh38, 1-based): chr3:122,262,261, T>C. VCF-style: chr3-122262261-T-C. GRCh37 (hg19) VCF-style: chr3-121981108-T-C.
Other names: c.1226T>C, p.Ile409Thr (NM_001178065.2); short protein forms I409T.
Identifiers: ClinVar variation 1951124 (VCV001951124.5), dbSNP rs1409742096, ClinGen allele CA354152863.